The following is an entry in ClinVar:

ClinVar aggregate classification (germline): Uncertain significance (1 of 4 stars; one submission).

Submission:

Women's Health and Genetics/Laboratory Corporation of America, LabCorp
Classification: Uncertain significance. Last evaluated: 2025-04-17. Review status: criteria provided, single submitter. Criteria: LabCorp Variant Classification Summary - May 2015. Collection method: clinical testing. Allele origin: germline.
Comment: Variant summary: BCOR c.5143G>A (p.Ala1715Thr) results in a non-conservative amino acid change in the encoded protein sequence. Three of five in-silico tools predict a benign effect of the variant on protein function. The variant was absent in 183196 control chromosomes. The available data on variant occurrences in the general population are insufficient to allow any conclusion about variant significance. To our knowledge, no occurrence of c.5143G>A in individuals affected with Oculofaciocardiodental Syndrome and no experimental evidence demonstrating its impact on protein function have been reported. No submitters have cited clinical-significance assessments for this variant to ClinVar. Based on the evidence outlined above, the variant was classified as uncertain significance.

NM_001123385.2(BCOR):c.5143G>A (p.Ala1715Thr)

Gene: BCOR (BCL6 corepressor; minus strand). Cytogenetic location: Xp11.4.
Variant type: single nucleotide variant.
Coding change: c.5143G>A on transcript NM_001123385.2 (MANE Select); coding-DNA position 5143, G replaced by A.
Protein change: p.Ala1715Thr; replaces alanine 1715 with threonine.
Molecular consequence: missense variant.
Genome position (GRCh38, 1-based): chrX:40,052,234, C>T on the plus strand (G>A on the coding strand, the complement: BCOR is on the minus strand). VCF-style: chrX-40052234-C-T. GRCh37 (hg19) VCF-style: chrX-39911487-C-T.
Other names: c.5041G>A, p.Ala1681Thr (NM_001123383.2, NM_017745.6); c.4987G>A, p.Ala1663Thr (NM_001123384.2); short protein forms A1663T, A1681T, A1715T.
Identifiers: ClinVar variation 3896198 (VCV003896198.2).